The following is an entry in ClinVar:

ClinVar aggregate classification (germline): Likely benign. Review status: criteria provided, single submitter (1 of 4 stars). 2 submissions from 2 submitters: Likely benign (1). 1 of the submissions does not count toward it. Last evaluated 2023-08-24.

Conditions:
FOLR1-related disorder. Also called: FOLR1-related condition.
Cerebral folate transport deficiency. Also called: FOLATE RECEPTOR DEFICIENCY; NEURODEGENERATION DUE TO CEREBRAL FOLATE TRANSPORT DEFICIENCY; Neurodegenerative syndrome due to cerebral folate transport deficiency; Cerebral folate deficiency syndrome; FOLR1-Related Cerebral Folate Transport Deficiency. Identifiers: Orphanet 217382, MedGen C2751584, MONDO:0013110, OMIM 613068. Disease mechanism: loss of function.

Allele frequency attached by ClinVar (database versions not stated): ExAC 0.00001; gnomAD exomes 0.00001.
gnomAD v4.1: 6 of 1,614,198 alleles (0.00037%); highest among the groups gnomAD compares: Admixed American, 0.0017%; no homozygotes.

Submissions (2):

Labcorp Genetics (formerly Invitae), Labcorp
Classification: Likely benign for Cerebral folate transport deficiency. Last evaluated: 2023-08-24. Review status: criteria provided, single submitter. Criteria: Invitae Variant Classification Sherloc (09022015). Collection method: clinical testing. Allele origin: germline.

PreventionGenetics, part of Exact Sciences
Classification: Likely benign for FOLR1-related condition. Last evaluated: 2024-07-29. Review status: no assertion criteria provided. Collection method: clinical testing. Allele origin: germline. Not counted in ClinVar's aggregate classification.
Comment: This variant is classified as likely benign based on ACMG/AMP sequence variant interpretation guidelines (Richards et al. 2015 PMID: 25741868, with internal and published modifications).

NM_016729.3(FOLR1):c.564G>A (p.Leu188=)

Genes: FOLR1-AS1 (FOLR1 antisense RNA 1; minus strand), FOLR1 (folate receptor alpha; plus strand). Cytogenetic location: 11q13.4.
Variant type: single nucleotide variant.
Coding change: c.564G>A on transcript NM_016729.3 (MANE Select); coding-DNA position 564, G replaced by A.
Protein change: p.Leu188=; no amino-acid change (leucine 188 retained).
Molecular consequence: synonymous variant.
Genome position (GRCh38, 1-based): chr11:72,195,967, G>A. VCF-style: chr11-72195967-G-A. GRCh37 (hg19) VCF-style: chr11-71907011-G-A.
Other names: c.564G>A, p.Leu188= (NM_000802.3, NM_016724.3, NM_016725.3); c.564G>A (NM_016724.2).
Identifiers: ClinVar variation 1103637 (VCV001103637.10), dbSNP rs774348178, ClinGen allele CA6169230.